The following is an entry in ClinVar:

NM_000051.4(ATM):c.1907A>G (p.His636Arg)

Gene: ATM (ATM serine/threonine kinase; plus strand). Cytogenetic location: 11q22.3.
Variant type: single nucleotide variant.
Coding change: c.1907A>G on transcript NM_000051.4 (MANE Select); coding-DNA position 1907, A replaced by G.
Protein change: p.His636Arg; replaces histidine 636 with arginine.
Molecular consequence: missense variant.
Genome position (GRCh38, 1-based): chr11:108,253,822, A>G. VCF-style: chr11-108253822-A-G. GRCh37 (hg19) VCF-style: chr11-108124549-A-G.
Other names: c.1907A>G, p.His636Arg (NM_001351834.2); short protein forms H636R.
Identifiers: ClinVar variation 567035 (VCV000567035.22), dbSNP rs1333990758, ClinGen allele CA382536307.

ClinVar aggregate classification (germline): Conflicting classifications of pathogenicity. Review status: criteria provided, conflicting classifications (1 of 4 stars). 4 submissions from 4 submitters: Uncertain significance (2); Likely benign (1). 1 of the submissions does not count toward it. Last evaluated 2025-09-26.

Conditions:
Ataxia-telangiectasia syndrome (AT). Also called: Ataxia telangiectasia (A-T); Ataxia-telangiectasia, complementation group D; AT, COMPLEMENTATION GROUP C; ATAXIA-TELANGIECTASIA, COMPLEMENTATION GROUP A; Ataxia-telangiectasia, complementation group E; ATAXIA-TELANGIECTASIA, FRESNO VARIANT. Identifiers: Orphanet 100, MedGen C0004135, MONDO:0008840, OMIM 208900.
Hereditary cancer-predisposing syndrome. Also called: Neoplastic Syndromes, Hereditary; Tumor predisposition; Hereditary Cancer Syndrome; Hereditary neoplastic syndrome. Identifiers: Orphanet 140162, MedGen C0027672, MeSH D009386, MONDO:0015356.
Familial cancer of breast. Also called: Hereditary breast cancer; BREAST CANCER, FAMILIAL; hereditary breast carcinoma. Identifiers: Orphanet 227535, MedGen C0346153, MONDO:0016419, OMIM 114480. Disease mechanism: loss of function.

Allele frequency attached by ClinVar (database versions not stated): gnomAD exomes below 0.00001; gnomAD 0.00001; TOPMed 0.00001.
gnomAD v4.1: 3 of 1,613,174 alleles (0.00019%); highest among the groups gnomAD compares: Admixed American, 0.0033%; no homozygotes.

Submissions (4):

Ambry Genetics
Classification: Likely benign for Hereditary cancer-predisposing syndrome. Last evaluated: 2025-09-26. Review status: criteria provided, single submitter. Criteria: Ambry Variant Classification Scheme 2023. Collection method: clinical testing. Allele origin: germline.

Labcorp Genetics (formerly Invitae), Labcorp
Classification: Uncertain significance for Ataxia-telangiectasia syndrome. Last evaluated: 2024-10-07. Review status: criteria provided, single submitter. Criteria: Invitae Variant Classification Sherloc (09022015). Collection method: clinical testing. Allele origin: germline.
Comment: This sequence change replaces histidine, which is basic and polar, with arginine, which is basic and polar, at codon 636 of the ATM protein (p.His636Arg). This variant is present in population databases (no rsID available, gnomAD 0.006%). This variant has not been reported in the literature in individuals affected with ATM-related conditions. ClinVar contains an entry for this variant (Variation ID: 567035). Invitae Evidence Modeling of protein sequence and biophysical properties (such as structural, functional, and spatial information, amino acid conservation, physicochemical variation, residue mobility, and thermodynamic stability) indicates that this missense variant is not expected to disrupt ATM protein function with a negative predictive value of 95%. In summary, the available evidence is currently insufficient to determine the role of this variant in disease. Therefore, it has been classified as a Variant of Uncertain Significance.

Baylor Genetics
Classification: Uncertain significance for Familial cancer of breast. Last evaluated: 2023-08-04. Review status: criteria provided, single submitter. Criteria: ACMG Guidelines, 2015. Collection method: clinical testing. Allele origin: unknown.

Natera, Inc.
Classification: Uncertain significance for Ataxia-telangiectasia. Last evaluated: 2021-08-04. Review status: no assertion criteria provided. Collection method: clinical testing. Allele origin: germline. Not counted in ClinVar's aggregate classification.